The following is an entry in ClinVar:

NM_001370100.5(ZMYND11):c.754-9_754-5del

Gene: ZMYND11 (zinc finger MYND-type containing 11; plus strand). Cytogenetic location: 10p15.3.
Variant type: Microsatellite.
Coding change: c.754-9_754-5del on transcript NM_001370100.5 (MANE Select); 9 bases into the intron before coding-DNA position 754 through 5 bases into the intron before coding-DNA position 754, 5 bases deleted (CTTTT; older notation c.754-9_754-5delCTTTT).
Molecular consequence: intron variant.
Genome position (GRCh38, 1-based): chr10:240,884-240,888, CTTTT deleted; deleting any 5 consecutive bases within chr10:240,876-240,888 gives the same sequence; the c. name uses the placement nearest the transcript's 3' end. VCF-style (leftmost placement, unchanged base first): chr10-240875-GTTTCT-G. GRCh37 (hg19) VCF-style: chr10-286815-GTTTCT-G.
Other names: c.754-9_754-5del (NM_001370117.2, NM_001370101.2, NM_001370102.2 and 5 more transcripts); c.592-9_592-5del (NM_001202464.3, NM_001370109.2, NM_001202467.1 and 6 more transcripts); c.472-9_472-5del (NM_001370121.2); c.753+773_753+777del (NM_001370119.2); c.634-9_634-5del (NM_001370118.2); c.661-9_661-5del (NM_001370113.2, NM_001370114.2); c.703-9_703-5del (NM_001330057.3, NM_001370112.2); c.751-9_751-5del (NM_001370115.2, NM_212479.4); and 7 more.
Identifiers: ClinVar variation 4813359 (VCV004813359.1).
Genomic context (GRCh38, chr10:240,875, plus strand): 5'-TTTACATGGATACATTTTATATAGTTTAATGTGTATGTATATTTTATGTAGGCTAAAGTA[GTTTCT>G]TTTCTTTTTCAGCTGGATGAACTGCAGCTTTGCAAGAATTGCTTTTACTTGTCAAATGCT-3'

ClinVar aggregate classification (germline): Likely pathogenic (1 of 4 stars; one submission).

Conditions:
Intellectual developmental disorder, autosomal dominant 30, with speech delay and behavioral abnormalities. Also called: Intellectual disability, autosomal dominant 30. Identifiers: Orphanet 436151, MedGen C4015167, MONDO:0014486, OMIM 616083.

Submission:

Groupe Hospitalier Pitie Salpetriere, Uf Genomique Du Developpement, Assistance Publique Hopitaux de Paris Sorbonne Université
Classification: Likely pathogenic for Intellectual developmental disorder, autosomal dominant 30, with speech delay and behavioral abnormalities. Last evaluated: 2023-02-01. Review status: criteria provided, single submitter. Criteria: ACMG Guidelines, 2015. Collection method: clinical testing. Allele origin: germline. Affected: yes.
Comment: This variant is found de novo (PS2), absent or extremely rare in population databases (PM2_supp) and multiple lines of computational evidence support a deleterious effect on the gene or gene product (PP3)